The following is an entry in ClinVar:

ClinVar aggregate classification (germline): Uncertain significance (1 of 4 stars; one submission).

Conditions:
Familial hemophagocytic lymphohistiocytosis 3 (FHL3). Also called: UNC13D-Related Familial Hemophagocytic Lymphohistiocytosis (UNC13D-fHLH). Identifiers: Orphanet 540, MedGen C1837174, MONDO:0012146, OMIM 608898.

Allele frequency attached by ClinVar (database versions not stated): gnomAD 0.00001 and 0.00003; TOPMed 0.00002; gnomAD exomes 0.00017; ExAC 0.00099.
gnomAD v4.1: 88 of 1,538,058 alleles (0.0057%); highest among the groups gnomAD compares: South Asian, 0.079%; no homozygotes.

Submission:

Labcorp Genetics (formerly Invitae), Labcorp
Classification: Uncertain significance for Familial hemophagocytic lymphohistiocytosis 3. Last evaluated: 2022-07-23. Review status: criteria provided, single submitter. Criteria: Invitae Variant Classification Sherloc (09022015). Collection method: clinical testing. Allele origin: germline.
Comment: This sequence change affects codon 1050 of the UNC13D mRNA. It is a 'silent' change, meaning that it does not change the encoded amino acid sequence of the UNC13D protein. It affects a nucleotide within the consensus splice site. This variant is present in population databases (rs764279026, gnomAD 0.1%). This variant has not been reported in the literature in individuals affected with UNC13D-related conditions. ClinVar contains an entry for this variant (Variation ID: 946872). Algorithms developed to predict the effect of sequence changes on RNA splicing suggest that this variant is not likely to affect RNA splicing. In summary, the available evidence is currently insufficient to determine the role of this variant in disease. Therefore, it has been classified as a Variant of Uncertain Significance.

NM_199242.3(UNC13D):c.3150C>T (p.Asn1050=)

Gene: UNC13D (unc-13 homolog D; minus strand). Cytogenetic location: 17q25.1.
Variant type: single nucleotide variant.
Coding change: c.3150C>T on transcript NM_199242.3 (MANE Select); coding-DNA position 3150, C replaced by T.
Protein change: p.Asn1050=; no amino-acid change (asparagine 1050 retained).
Molecular consequence: synonymous variant.
Genome position (GRCh38, 1-based): chr17:75,828,788, G>A on the plus strand (C>T on the coding strand, the complement: UNC13D is on the minus strand). VCF-style: chr17-75828788-G-A. GRCh37 (hg19) VCF-style: chr17-73824869-G-A.
Identifiers: ClinVar variation 946872 (VCV000946872.7), dbSNP rs764279026, ClinGen allele CA8772259.